The following is an entry in ClinVar:

NM_000875.5(IGF1R):c.1632C>T (p.Cys544=)

Gene: IGF1R (insulin like growth factor 1 receptor; plus strand). Cytogenetic location: 15q26.3.
Variant type: single nucleotide variant.
Coding change: c.1632C>T on transcript NM_000875.5 (MANE Select); coding-DNA position 1632, C replaced by T.
Protein change: p.Cys544=; no amino-acid change (cysteine 544 retained).
Molecular consequence: synonymous variant.
Genome position (GRCh38, 1-based): chr15:98,913,086, C>T. VCF-style: chr15-98913086-C-T. GRCh37 (hg19) VCF-style: chr15-99456315-C-T.
Other names: c.1632C>T, p.Cys544= (NM_001291858.2).
Identifiers: ClinVar variation 3341692 (VCV003341692.18).

ClinVar aggregate classification (germline): Likely benign. Review status: criteria provided, multiple submitters, no conflicts (2 of 4 stars). 2 submissions from 2 submitters: Likely benign (2). Last evaluated 2025-12-09.

gnomAD v4.1: 88 of 1,614,098 alleles (0.0055%); highest among the groups gnomAD compares: Middle Eastern, 0.016%; 1 homozygote.

Submissions (2):

Labcorp Genetics (formerly Invitae), Labcorp
Classification: Likely benign. Last evaluated: 2025-12-09. Review status: criteria provided, single submitter. Criteria: Invitae Variant Classification Sherloc (09022015). Collection method: clinical testing. Allele origin: germline.

CeGaT Center for Human Genetics Tuebingen
Classification: Likely benign. Last evaluated: 2024-09-01. Review status: criteria provided, single submitter. Criteria: CeGaT Center For Human Genetics Tuebingen Variant Classification Criteria Version 2. Collection method: clinical testing. Allele origin: germline. Affected: yes. Observed: 1 variant allele.
Comment: IGF1R: BP4, BP7